The following is an entry in ClinVar:

NM_001352514.2(HLCS):c.1249T>C (p.Leu417=)

Gene: HLCS (holocarboxylase synthetase; minus strand). Cytogenetic location: 21q22.13.
Variant type: single nucleotide variant.
Coding change: c.1249T>C on transcript NM_001352514.2 (MANE Select); coding-DNA position 1249, T replaced by C.
Protein change: p.Leu417=; no amino-acid change (leucine 417 retained).
Molecular consequence: synonymous variant. On other transcripts: non-coding transcript variant (2).
Genome position (GRCh38, 1-based): chr21:36,936,637, A>G on the plus strand (T>C on the coding strand, the complement: HLCS is on the minus strand). VCF-style: chr21-36936637-A-G. GRCh37 (hg19) VCF-style: chr21-38308937-A-G.
Other names: c.808T>C, p.Leu270= (NM_000411.8, NM_001242784.3, NM_001242785.2 and 4 more transcripts).
Identifiers: ClinVar variation 510968 (VCV000510968.10), dbSNP rs535891229, ClinGen allele CA10020611.

ClinVar aggregate classification (germline): Likely benign. Review status: criteria provided, multiple submitters, no conflicts (2 of 4 stars). 2 submissions from 2 submitters: Likely benign (2). Last evaluated 2025-12-21.

Conditions:
Holocarboxylase synthetase deficiency. Also called: MULTIPLE CARBOXYLASE DEFICIENCY, EARLY ONSET. Identifiers: Orphanet 79242, MedGen C0268581, MONDO:0009666, OMIM 253270.

Allele frequency attached by ClinVar (database versions not stated): gnomAD below 0.00001 and 0.00005; TOPMed below 0.00001; gnomAD exomes 0.00006 and 0.00015; ExAC 0.00021; 1000 Genomes Project 0.00040; 1000 Genomes Project 30x 0.00047.
gnomAD v4.1: 93 of 1,614,186 alleles (0.0058%); highest among the groups gnomAD compares: South Asian, 0.096%; no homozygotes.

Submissions (2):

Labcorp Genetics (formerly Invitae), Labcorp
Classification: Likely benign for Holocarboxylase synthetase deficiency. Last evaluated: 2025-12-21. Review status: criteria provided, single submitter. Criteria: Invitae Variant Classification Sherloc (09022015). Collection method: clinical testing. Allele origin: germline.

GeneDx
Classification: Likely benign. Last evaluated: 2017-08-08. Review status: criteria provided, single submitter. Criteria: GeneDx Variant Classification (06012015). Collection method: clinical testing. Allele origin: germline. Affected: yes.
Comment: This variant is considered likely benign or benign based on one or more of the following criteria: it is a conservative change, it occurs at a poorly conserved position in the protein, it is predicted to be benign by multiple in silico algorithms, and/or has population frequency not consistent with disease.